The following is an entry in ClinVar:

NM_002470.4(MYH3):c.5161-13C>T

Gene: MYH3 (myosin heavy chain 3; minus strand). Cytogenetic location: 17p13.1.
Variant type: single nucleotide variant.
Coding change: c.5161-13C>T on transcript NM_002470.4 (MANE Select); 13 bases into the intron before coding-DNA position 5161, C replaced by T.
Molecular consequence: intron variant.
Genome position (GRCh38, 1-based): chr17:10,631,749, G>A on the plus strand (C>T on the coding strand, the complement: MYH3 is on the minus strand). VCF-style: chr17-10631749-G-A. GRCh37 (hg19) VCF-style: chr17-10535066-G-A.
Identifiers: ClinVar variation 321720 (VCV000321720.12), dbSNP rs201674457, ClinGen allele CA8392021.
Genomic context (GRCh38, chr17:10,631,749, plus strand): 5'-CATGAGGTCTGTCTCCAGCTTCTTCTTGGTGTGGATGAGGCTGGTGTTCTAGGGCAAGAG[G>A]AGGGCTGTTAACCAGGTGCGTATGAGGCTGGAACCTCGCCTCTCTTCCTCTCCCTCCCCT-3'

ClinVar aggregate classification (germline): Conflicting classifications of pathogenicity. Review status: criteria provided, conflicting classifications (1 of 4 stars). 3 submissions from 2 submitters: Uncertain significance (1); Benign (1); Likely benign (1). Last evaluated 2025-12-23.

Conditions:
Distal arthrogryposis type 2B1 (DA2B1). Also called: Arthrogryposis multiplex congenita distal type II with craniofacial abnormalities. Identifiers: Orphanet 1147, MedGen C5193014, MONDO:0020820, OMIM 601680.
Freeman-Sheldon syndrome (DA2A). Also called: CRANIOCARPOTARSAL DYSPLASIA; CRANIOCARPOTARSAL DYSTROPHY; WHISTLING FACE-WINDMILL VANE HAND SYNDROME; Arthrogryposis, distal, type 2A (Freeman-Sheldon). Identifiers: Orphanet 2053, MedGen C0265224, MONDO:0008675, OMIM 193700.

Allele frequency attached by ClinVar (database versions not stated): ExAC 0.00017; TOPMed 0.00019; 1000 Genomes Project 0.00020; gnomAD exomes 0.00021 and 0.00030; gnomAD 0.00026; 1000 Genomes Project 30x 0.00031; ESP Exome Variant Server 0.00046.
gnomAD v4.1: 467 of 1,614,136 alleles (0.029%); highest among the groups gnomAD compares: Non-Finnish European, 0.037%; no homozygotes.

Submissions (3):

Labcorp Genetics (formerly Invitae), Labcorp
Classification: Likely benign. Last evaluated: 2025-12-23. Review status: criteria provided, single submitter. Criteria: Invitae Variant Classification Sherloc (09022015). Collection method: clinical testing. Allele origin: germline.

Illumina Laboratory Services, Illumina
Classification: Benign for Freeman-Sheldon syndrome. Last evaluated: 2018-01-13. Review status: criteria provided, single submitter. Criteria: ICSL Variant Classification Criteria 13 December 2019. Collection method: clinical testing. Allele origin: germline.
Comment: This variant was observed in the ICSL laboratory as part of a predisposition screen in an ostensibly healthy population. It had not been previously curated by ICSL or reported in the Human Gene Mutation Database (HGMD: prior to June 1st, 2018), and was therefore a candidate for classification through an automated scoring system. Utilizing variant allele frequency, disease prevalence and penetrance estimates, and inheritance mode, an automated score was calculated to assess if this variant is too frequent to cause the disease. Based on the score and internal cut-off values, a variant classified as benign is not then subjected to further curation. The score for this variant resulted in a classification of benign for this disease.

Illumina Laboratory Services, Illumina
Classification: Uncertain significance for Distal arthrogryposis type 2B1. Last evaluated: 2018-01-13. Review status: criteria provided, single submitter. Criteria: ICSL Variant Classification Criteria 13 December 2019. Collection method: clinical testing. Allele origin: germline.